The following is an entry in ClinVar:

NM_014629.4(ARHGEF10):c.3068C>T (p.Ala1023Val)

Gene: ARHGEF10 (Rho guanine nucleotide exchange factor 10; plus strand). Cytogenetic location: 8p23.3.
Variant type: single nucleotide variant.
Coding change: c.3068C>T on transcript NM_014629.4 (MANE Select); coding-DNA position 3068, C replaced by T.
Protein change: p.Ala1023Val; replaces alanine 1023 with valine.
Molecular consequence: missense variant.
Genome position (GRCh38, 1-based): chr8:1,929,432, C>T. VCF-style: chr8-1929432-C-T. GRCh37 (hg19) VCF-style: chr8-1877598-C-T.
Other names: c.2954C>T, p.Ala985Val (NM_001308152.2); c.3068C>T, p.Ala1023Val (NM_001308153.3); short protein forms A1023V, A1047V, A985V.
Identifiers: ClinVar variation 2179143 (VCV002179143.5), dbSNP rs374521216, ClinGen allele CA4601177.

ClinVar aggregate classification (germline): Uncertain significance. Review status: criteria provided, multiple submitters, no conflicts (2 of 4 stars). 2 submissions from 2 submitters: Uncertain significance (2). Last evaluated 2025-12-30.

Allele frequency attached by ClinVar (database versions not stated): ExAC 0.00002; gnomAD 0.00003; gnomAD exomes 0.00004; ESP Exome Variant Server 0.00008.
gnomAD v4.1: 57 of 1,608,556 alleles (0.0035%); highest among the groups gnomAD compares: Middle Eastern, 0.022%; no homozygotes.

Submissions (2):

Labcorp Genetics (formerly Invitae), Labcorp
Classification: Uncertain significance. Last evaluated: 2025-12-30. Review status: criteria provided, single submitter. Criteria: Invitae Variant Classification Sherloc (09022015). Collection method: clinical testing. Allele origin: germline.
Comment: This sequence change replaces alanine, which is neutral and non-polar, with valine, which is neutral and non-polar, at codon 1023 of the ARHGEF10 protein (p.Ala1023Val). This variant is present in population databases (rs374521216, gnomAD 0.004%). This variant has not been reported in the literature in individuals affected with ARHGEF10-related conditions. ClinVar contains an entry for this variant (Variation ID: 2179143). Invitae Evidence Modeling of protein sequence and biophysical properties (such as structural, functional, and spatial information, amino acid conservation, physicochemical variation, residue mobility, and thermodynamic stability) indicates that this missense variant is not expected to disrupt ARHGEF10 protein function with a negative predictive value of 80%. In summary, the available evidence is currently insufficient to determine the role of this variant in disease. Therefore, it has been classified as a Variant of Uncertain Significance.

Women's Health and Genetics/Laboratory Corporation of America, LabCorp
Classification: Uncertain significance. Last evaluated: 2024-12-10. Review status: criteria provided, single submitter. Criteria: LabCorp Variant Classification Summary - May 2015. Collection method: clinical testing. Allele origin: germline.
Comment: Variant summary: ARHGEF10 c.3068C>T (p.Ala1023Val) results in a non-conservative amino acid change in the encoded protein sequence. Four of five in-silico tools predict a benign effect of the variant on protein function. The variant allele was found at a frequency of 1.6e-05 in 248880 control chromosomes. The available data on variant occurrences in the general population are insufficient to allow any conclusion about variant significance. To our knowledge, no occurrence of c.3068C>T in individuals affected with Autosomal dominant slowed nerve conduction velocity and no experimental evidence demonstrating its impact on protein function have been reported. ClinVar contains an entry for this variant (Variation ID: 2179143). Based on the evidence outlined above, the variant was classified as uncertain significance.